The following is an entry in ClinVar:

NM_000129.4(F13A1):c.572-4del

Gene: F13A1 (coagulation factor XIII A chain; minus strand). Cytogenetic location: 6p25.1.
Variant type: Deletion.
Coding change: c.572-4del on transcript NM_000129.4 (MANE Select); 4 bases into the intron before coding-DNA position 572, one base deleted (G; older notation c.572-4delG).
Molecular consequence: intron variant.
Genome position (GRCh38, 1-based): chr6:6,250,933, C deleted on the plus strand (G on the coding strand, the reverse complement: F13A1 is on the minus strand). VCF-style (leftmost placement, unchanged base first): chr6-6250932-GC-G. GRCh37 (hg19) VCF-style: chr6-6251165-GC-G.
Identifiers: ClinVar variation 3032912 (VCV003032912.2), dbSNP rs769059174, ClinGen allele CA3624611.

ClinVar aggregate classification (germline): Likely benign (0 of 4 stars; one submission).

Conditions:
F13A1-related disorder. Also called: F13A1-related condition.

Allele frequency attached by ClinVar (database versions not stated): TOPMed 0.00004; ExAC 0.00006; gnomAD exomes 0.00007; gnomAD 0.00015.

Submission:

PreventionGenetics, part of Exact Sciences
Classification: Likely benign for F13A1-related condition. Last evaluated: 2021-07-28. Review status: no assertion criteria provided. Collection method: clinical testing. Allele origin: germline.
Comment: This variant is classified as likely benign based on ACMG/AMP sequence variant interpretation guidelines (Richards et al. 2015 PMID: 25741868, with internal and published modifications).